The following is an entry in ClinVar:

ClinVar aggregate classification (germline): Uncertain significance (1 of 4 stars; one submission).

Conditions:
Perlman syndrome (PRLMNS). Identifiers: Orphanet 2849, MedGen C0796113, MONDO:0009965, OMIM 267000.

Allele frequency attached by ClinVar (database versions not stated): gnomAD 0.00001.
gnomAD v4.1: 1 of 1,612,792 alleles (0.000062%); highest among the groups gnomAD compares: Non-Finnish European, 0.000085%; no homozygotes.

Submission:

Labcorp Genetics (formerly Invitae), Labcorp
Classification: Uncertain significance for Perlman syndrome. Last evaluated: 2022-03-15. Review status: criteria provided, single submitter. Criteria: Invitae Variant Classification Sherloc (09022015). Collection method: clinical testing. Allele origin: germline.
Comment: In summary, the available evidence is currently insufficient to determine the role of this variant in disease. Therefore, it has been classified as a Variant of Uncertain Significance. Algorithms developed to predict the effect of missense changes on protein structure and function are either unavailable or do not agree on the potential impact of this missense change (SIFT: "Deleterious"; PolyPhen-2: "Probably Damaging"; Align-GVGD: "Class C0"). This variant has not been reported in the literature in individuals affected with DIS3L2-related conditions. This variant is not present in population databases (gnomAD no frequency). This sequence change replaces leucine, which is neutral and non-polar, with proline, which is neutral and non-polar, at codon 695 of the DIS3L2 protein (p.Leu695Pro).

NM_152383.5(DIS3L2):c.2084T>C (p.Leu695Pro)

Gene: DIS3L2 (DIS3 like 3'-5' exoribonuclease 2; plus strand). Cytogenetic location: 2q37.1.
Variant type: single nucleotide variant.
Coding change: c.2084T>C on transcript NM_152383.5 (MANE Select); coding-DNA position 2084, T replaced by C.
Protein change: p.Leu695Pro; replaces leucine 695 with proline.
Molecular consequence: missense variant. On other transcripts: non-coding transcript variant (2), intron variant (1).
Genome position (GRCh38, 1-based): chr2:232,333,913, T>C. VCF-style: chr2-232333913-T-C. GRCh37 (hg19) VCF-style: chr2-233198623-T-C.
Other names: c.1582-9432T>C (NM_001257281.2); short protein forms L695P.
Identifiers: ClinVar variation 2202293 (VCV002202293.4), dbSNP rs1258061569, ClinGen allele CA350977442.
Genomic context (GRCh38, chr2:232,333,913, plus strand): 5'-TCTGCTCGGGGCTGCTGCAGGACCCAGCGCAGTTCCGGCACTACGCGCTCAATGTGCCCC[T>C]GTACACACACTTCACCTCGCCCATCCGCCGCTTTGCCGACGTCCTGGTGCACCGCCTCCT-3'
Protein context (NP_689596.4, residues 685-705): QFRHYALNVP[Leu695Pro]YTHFTSPIRR